The following is an entry in ClinVar:

NM_001374259.2(IL12RB2):c.479+5G>A

Gene: IL12RB2 (interleukin 12 receptor subunit beta 2; plus strand). Cytogenetic location: 1p31.3.
Variant type: single nucleotide variant.
Coding change: c.479+5G>A on transcript NM_001374259.2 (MANE Select); 5 bases into the intron after coding-DNA position 479, G replaced by A.
Molecular consequence: intron variant.
Genome position (GRCh38, 1-based): chr1:67,326,854, G>A. VCF-style: chr1-67326854-G-A. GRCh37 (hg19) VCF-style: chr1-67792537-G-A.
Other names: c.479+5G>A (NM_001559.3, NM_001258214.1, NM_001319233.1 and 2 more transcripts).
Identifiers: ClinVar variation 1938273 (VCV001938273.5), dbSNP rs1216895844, ClinGen allele CA523283642.

ClinVar aggregate classification (germline): Uncertain significance (1 of 4 stars; one submission).

Allele frequency attached by ClinVar (database versions not stated): gnomAD 0.00001; gnomAD exomes 0.00001; TOPMed 0.00003.
gnomAD v4.1: 6 of 1,435,088 alleles (0.00042%); highest among the groups gnomAD compares: African/African-American, 0.0028%; no homozygotes.

Submission:

Labcorp Genetics (formerly Invitae), Labcorp
Classification: Uncertain significance. Last evaluated: 2024-08-20. Review status: criteria provided, single submitter. Criteria: Invitae Variant Classification Sherloc (09022015). Collection method: clinical testing. Allele origin: germline.
Comment: This sequence change falls in intron 4 of the IL12RB2 gene. It does not directly change the encoded amino acid sequence of the IL12RB2 protein. It affects a nucleotide within the consensus splice site. This variant is present in population databases (no rsID available, gnomAD 0.001%). This variant has not been reported in the literature in individuals affected with IL12RB2-related conditions. ClinVar contains an entry for this variant (Variation ID: 1938273). Variants that disrupt the consensus splice site are a relatively common cause of aberrant splicing (PMID: 17576681, 9536098). Algorithms developed to predict the effect of sequence changes on RNA splicing suggest that this variant may disrupt the consensus splice site. In summary, the available evidence is currently insufficient to determine the role of this variant in disease. Therefore, it has been classified as a Variant of Uncertain Significance.

Literature cited by the submitters: PubMed 17576681; PubMed 9536098.